The following is an entry in ClinVar:

ClinVar aggregate classification (germline): Uncertain significance (1 of 4 stars; one submission).

Conditions:
Atrial fibrillation, familial, 7 (ATFB7). Identifiers: MedGen C2677106, MONDO:0012828, OMIM 612240.

Submission:

Labcorp Genetics (formerly Invitae), Labcorp
Classification: Uncertain significance for Atrial fibrillation, familial, 7. Last evaluated: 2024-05-26. Review status: criteria provided, single submitter. Criteria: Invitae Variant Classification Sherloc (09022015). Collection method: clinical testing. Allele origin: germline.
Comment: This sequence change replaces tyrosine, which is neutral and polar, with cysteine, which is neutral and slightly polar, at codon 453 of the KCNA5 protein (p.Tyr453Cys). This variant is present in population databases (no rsID available, gnomAD 0.003%). This variant has not been reported in the literature in individuals affected with KCNA5-related conditions. Advanced modeling of protein sequence and biophysical properties (such as structural, functional, and spatial information, amino acid conservation, physicochemical variation, residue mobility, and thermodynamic stability) performed at Invitae indicates that this missense variant is expected to disrupt KCNA5 protein function with a positive predictive value of 80%. In summary, the available evidence is currently insufficient to determine the role of this variant in disease. Therefore, it has been classified as a Variant of Uncertain Significance.

NM_002234.4(KCNA5):c.1358A>G (p.Tyr453Cys)

Gene: KCNA5 (potassium voltage-gated channel subfamily A member 5; plus strand). Cytogenetic location: 12p13.32.
Variant type: single nucleotide variant.
Coding change: c.1358A>G on transcript NM_002234.4 (MANE Select); coding-DNA position 1358, A replaced by G.
Protein change: p.Tyr453Cys; replaces tyrosine 453 with cysteine.
Molecular consequence: missense variant.
Genome position (GRCh38, 1-based): chr12:5,045,505, A>G. VCF-style: chr12-5045505-A-G. GRCh37 (hg19) VCF-style: chr12-5154671-A-G.
Other names: short protein forms Y453C.
Identifiers: ClinVar variation 3708024 (VCV003708024.2).
Genomic context (GRCh38, chr12:5,045,505, plus strand): 5'-AGCTGGGGCTGCTCATCTTCTTCCTCTTCATCGGGGTCATCCTCTTCTCCAGTGCCGTCT[A>G]CTTCGCAGAGGCTGACAACCAGGGAACCCATTTCTCTAGCATCCCTGACGCCTTCTGGTG-3'
Protein context (NP_002225.2, residues 443-463): IGVILFSSAV[Tyr453Cys]FAEADNQGTH